The following is an entry in ClinVar:

NM_020461.4(TUBGCP6):c.758A>C (p.Asp253Ala)

Gene: TUBGCP6 (tubulin gamma complex component 6; minus strand). Cytogenetic location: 22q13.33.
Variant type: single nucleotide variant.
Coding change: c.758A>C on transcript NM_020461.4 (MANE Select); coding-DNA position 758, A replaced by C.
Protein change: p.Asp253Ala; replaces aspartic acid 253 with alanine.
Molecular consequence: missense variant.
Genome position (GRCh38, 1-based): chr22:50,240,351, T>G on the plus strand (A>C on the coding strand, the complement: TUBGCP6 is on the minus strand). VCF-style: chr22-50240351-T-G. GRCh37 (hg19) VCF-style: chr22-50678780-T-G.
Other names: short protein forms D253A.
Identifiers: ClinVar variation 2037114 (VCV002037114.4), dbSNP rs2519200817, ClinGen allele CA412112449.

ClinVar aggregate classification (germline): Uncertain significance (1 of 4 stars; one submission).

Allele frequency attached by ClinVar (database versions not stated): gnomAD exomes below 0.00001.
gnomAD v4.1: 1 of 1,608,908 alleles (0.000062%); highest among the groups gnomAD compares: Non-Finnish European, 0.000085%; no homozygotes.

Submission:

Labcorp Genetics (formerly Invitae), Labcorp
Classification: Uncertain significance. Last evaluated: 2023-12-22. Review status: criteria provided, single submitter. Criteria: Invitae Variant Classification Sherloc (09022015). Collection method: clinical testing. Allele origin: germline.
Comment: This sequence change replaces aspartic acid, which is acidic and polar, with alanine, which is neutral and non-polar, at codon 253 of the TUBGCP6 protein (p.Asp253Ala). This variant is not present in population databases (gnomAD no frequency). This variant has not been reported in the literature in individuals affected with TUBGCP6-related conditions. ClinVar contains an entry for this variant (Variation ID: 2037114). An algorithm developed to predict the effect of missense changes on protein structure and function (PolyPhen-2) suggests that this variant is likely to be disruptive. In summary, the available evidence is currently insufficient to determine the role of this variant in disease. Therefore, it has been classified as a Variant of Uncertain Significance.